The following is an entry in ClinVar:

ClinVar aggregate classification (germline): Uncertain significance. Review status: criteria provided, multiple submitters, no conflicts (2 of 4 stars). 2 submissions from 2 submitters: Uncertain significance (2). Last evaluated 2024-01-23.

Conditions:
Hereditary spastic paraplegia 73. Also called: Spastic paraplegia 73, autosomal dominant. Identifiers: Orphanet 444099, MedGen C5568981, MONDO:0014568, OMIM 616282.

Allele frequency attached by ClinVar (database versions not stated): gnomAD exomes 0.00006; ExAC 0.00010; gnomAD 0.00014 and 0.00015; TOPMed 0.00038.
gnomAD v4.1: 61 of 1,509,096 alleles (0.004%); highest among the groups gnomAD compares: Admixed American, 0.066%; no homozygotes.

Submissions (2):

Ambry Genetics
Classification: Uncertain significance. Last evaluated: 2024-01-23. Review status: criteria provided, single submitter. Criteria: Ambry Variant Classification Scheme 2023. Collection method: clinical testing. Allele origin: germline.

Labcorp Genetics (formerly Invitae), Labcorp
Classification: Uncertain significance for Hereditary spastic paraplegia 73. Last evaluated: 2022-11-20. Review status: criteria provided, single submitter. Criteria: Invitae Variant Classification Sherloc (09022015). Collection method: clinical testing. Allele origin: germline.
Comment: This sequence change replaces alanine, which is neutral and non-polar, with valine, which is neutral and non-polar, at codon 420 of the CPT1C protein (p.Ala420Val). In summary, the available evidence is currently insufficient to determine the role of this variant in disease. Therefore, it has been classified as a Variant of Uncertain Significance. Advanced modeling of protein sequence and biophysical properties (such as structural, functional, and spatial information, amino acid conservation, physicochemical variation, residue mobility, and thermodynamic stability) performed at Invitae indicates that this missense variant is not expected to disrupt CPT1C protein function. ClinVar contains an entry for this variant (Variation ID: 1487403). This variant has not been reported in the literature in individuals affected with CPT1C-related conditions. This variant is present in population databases (rs776700182, gnomAD 0.03%).

NM_001199753.2(CPT1C):c.1292C>T (p.Ala431Val)

Gene: CPT1C (carnitine palmitoyltransferase 1C; plus strand). Cytogenetic location: 19q13.33.
Variant type: single nucleotide variant.
Coding change: c.1292C>T on transcript NM_001199753.2 (MANE Select); coding-DNA position 1292, C replaced by T.
Protein change: p.Ala431Val; replaces alanine 431 with valine.
Molecular consequence: missense variant. On other transcripts: non-coding transcript variant (1).
Genome position (GRCh38, 1-based): chr19:49,706,362, C>T. VCF-style: chr19-49706362-C-T. GRCh37 (hg19) VCF-style: chr19-50209619-C-T.
Other names: c.1259C>T, p.Ala420Val (NM_001136052.3, NM_001378485.1, NM_001378487.1); c.1292C>T, p.Ala431Val (NM_001199752.3, NM_001378483.1, NM_001378484.1 and 3 more transcripts); c.1358C>T, p.Ala453Val (NM_001378482.1); c.1292C>T (NM_001199752.1); short protein forms A453V, A431V, A420V.
Identifiers: ClinVar variation 1487403 (VCV001487403.9), dbSNP rs776700182, ClinGen allele CA9582134.
Genomic context (GRCh38, chr19:49,706,362, plus strand): 5'-CCGCTTTCTTTGTGTCACTGGATGCTGAGCCCGCGGGGCTCACCAGGGAGGACCCGGCAG[C>T]GTCGTTGGATGCCTACGCCCATGCTCTGCTGGCCGGCCGGGGCCATGATCGGTGAGTGAG-3'
Protein context (NP_001186682.1, residues 421-441): PAGLTREDPA[Ala431Val]SLDAYAHALL